The following is an entry in ClinVar:

NM_014845.6(FIG4):c.112G>A (p.Val38Ile)

Gene: FIG4 (FIG4 phosphoinositide 5-phosphatase; plus strand). Cytogenetic location: 6q21.
Variant type: single nucleotide variant.
Coding change: c.112G>A on transcript NM_014845.6 (MANE Select); coding-DNA position 112, G replaced by A.
Protein change: p.Val38Ile; replaces valine 38 with isoleucine.
Molecular consequence: missense variant.
Genome position (GRCh38, 1-based): chr6:109,715,123, G>A. VCF-style: chr6-109715123-G-A. GRCh37 (hg19) VCF-style: chr6-110036326-G-A.
Other names: short protein forms V38I.
Identifiers: ClinVar variation 1519273 (VCV001519273.5), dbSNP rs761940298, ClinGen allele CA3955676.
Genomic context (GRCh38, chr6:109,715,123, plus strand): 5'-CCTTTTTATTTATAGAGATACTTTCTAGTTGGGAGCAATAATGCAGAAACGAAATATCGT[G>A]TCTTGAAGATTGATAGAACAGAACCAAAAGATTTGGTCATAATTGATGACAGGGTAAGTA-3'
Protein context (NP_055660.1, residues 28-48): GSNNAETKYR[Val38Ile]LKIDRTEPKD

ClinVar aggregate classification (germline): Uncertain significance. Review status: criteria provided, multiple submitters, no conflicts (2 of 4 stars). 2 submissions from 2 submitters: Uncertain significance (2). Last evaluated 2022-07-05.

Conditions:
Charcot-Marie-Tooth disease type 4. Also called: Charcot-Marie-Tooth disease, type IV; Charcot-Marie-Tooth, Type 4. Identifiers: Orphanet 64749, MedGen C4082197, MONDO:0018995.
Inborn genetic diseases. Identifiers: MedGen C0950123, MeSH D030342.

Allele frequency attached by ClinVar (database versions not stated): gnomAD exomes below 0.00001; ExAC 0.00001.

Submissions (2):

Labcorp Genetics (formerly Invitae), Labcorp
Classification: Uncertain significance for Charcot-Marie-Tooth disease type 4. Last evaluated: 2022-07-05. Review status: criteria provided, single submitter. Criteria: Invitae Variant Classification Sherloc (09022015). Collection method: clinical testing. Allele origin: germline.
Comment: This sequence change replaces valine, which is neutral and non-polar, with isoleucine, which is neutral and non-polar, at codon 38 of the FIG4 protein (p.Val38Ile). This variant is present in population databases (rs761940298, gnomAD 0.0009%). This variant has not been reported in the literature in individuals affected with FIG4-related conditions. ClinVar contains an entry for this variant (Variation ID: 1519273). Algorithms developed to predict the effect of missense changes on protein structure and function are either unavailable or do not agree on the potential impact of this missense change (SIFT: "Tolerated"; PolyPhen-2: "Possibly Damaging"; Align-GVGD: "Class C0"). In summary, the available evidence is currently insufficient to determine the role of this variant in disease. Therefore, it has been classified as a Variant of Uncertain Significance.

Ambry Genetics
Classification: Uncertain significance for Inborn genetic diseases. Last evaluated: 2020-05-15. Review status: criteria provided, single submitter. Criteria: Ambry Variant Classification Scheme 2023. Collection method: clinical testing. Allele origin: germline.
Comment: The p.V38I variant (also known as c.112G>A), located in coding exon 2 of the FIG4 gene, results from a G to A substitution at nucleotide position 112. The valine at codon 38 is replaced by isoleucine, an amino acid with highly similar properties. This amino acid position is highly conserved in available vertebrate species. In addition, this alteration is predicted to be tolerated by in silico analysis. Since supporting evidence is limited at this time, the clinical significance of this alteration remains unclear.